The following is an entry in ClinVar:

NM_001754.5(RUNX1):c.*569T>G

Gene: RUNX1 (RUNX family transcription factor 1; minus strand). Cytogenetic location: 21q22.12.
Variant type: single nucleotide variant.
Coding change: c.*569T>G on transcript NM_001754.5 (MANE Select); 569 bases downstream of the stop codon, T replaced by G.
Molecular consequence: 3 prime UTR variant.
Genome position (GRCh38, 1-based): chr21:34,791,566, A>C on the plus strand (T>G on the coding strand, the complement: RUNX1 is on the minus strand). VCF-style: chr21-34791566-A-C. GRCh37 (hg19) VCF-style: chr21-36163863-A-C.
Other names: c.*569T>G (NM_001001890.3).
Identifiers: ClinVar variation 896108 (VCV000896108.5), dbSNP rs573467458, ClinGen allele CA320250714.
Genomic context (GRCh38, chr21:34,791,566, plus strand): 5'-AAAAGGGAATCATATTTCTTTCCATGGTCAAAGCAAGAAAGAAGCAAGCTCAATTTATAT[A>C]TATTTATATAAACGTATATAAAAATAAAAACCACCCAAATGCAAATACGCATTTTGCAAT-3'

ClinVar aggregate classification (germline): Benign. Review status: reviewed by expert panel (3 of 4 stars). 2 submissions from 2 submitters: Benign (1). 1 of the submissions does not count toward it. Last evaluated 2022-07-07.

Conditions:
Hereditary thrombocytopenia and hematologic cancer predisposition syndrome. Identifiers: Orphanet 71290, MedGen CN281654, MONDO:0011071.
Hereditary thrombocytopenia and hematological cancer predisposition syndrome associated with RUNX1. Also called: PLATELET DISORDER, ASPIRIN-LIKE; RUNX1 Familial Platelet Disorder with Associated Myeloid Malignancies; Familial Platelet Disorder with Propensity to Acute Myelogenous Leukemia; Familial thrombocytopenia with propensity to acute myelogenous leukemia. Identifiers: Orphanet 71290, MedGen C1832388, MeSH C563324, MONDO:0100083, OMIM 601399.

Allele frequency attached by ClinVar (database versions not stated): gnomAD exomes 0.00004; TOPMed 0.00030; 1000 Genomes Project 0.00040; 1000 Genomes Project 30x 0.00047.
gnomAD v4.1: 38 of 229,888 alleles (0.017%); highest among the groups gnomAD compares: African/African-American, 0.066%; no homozygotes.

Submissions (2):

ClinGen Myeloid Malignancy Variant Curation Expert Panel
Classification: Benign for Hereditary thrombocytopenia and hematologic cancer predisposition syndrome. Last evaluated: 2022-07-07. Review status: reviewed by expert panel. Criteria: ClinGen MyeloMalig ACMG Specifications v2. Collection method: curation. Allele origin: germline. Inheritance: Autosomal dominant inheritance.
Comment: NM_001754.5(RUNX1):c.*569T>G has a MAF of 0.00092 (0.092%, 8/8686, 31186 alleles) in the African subpopulation of the gnomAD cohort is between 0.00015 (0.015%) and 0.0015 (0.15%) (BS1). REVEL score not available because synonymous variant and SpliceAI predicts 0.00 splicing impact for donor/acceptor loss/gain which is ≤ 0.20 (BP4). Evolutionary conservation prediction algorithms predict the site as not being conserved (PhyloP score 0.420291 < 2.0 or the variant is the reference nucleotide in one primate and/or three mammal species) (BP7). In summary, this variant meets the criteria to be classified as likely benign. ACMG/AMP criteria applied, as specified by the Myeloid Malignancy Variant Curation Expert Panel for RUNX1: BS1, BP4, BP7

Illumina Laboratory Services, Illumina
Classification: Benign for Hereditary thrombocytopenia and hematological cancer predisposition syndrome associated with RUNX1. Last evaluated: 2018-01-13. Review status: criteria provided, single submitter. Criteria: ICSL Variant Classification Criteria 13 December 2019. Collection method: clinical testing. Allele origin: germline. Not counted in ClinVar's aggregate classification.
Comment: This variant was observed in the ICSL laboratory as part of a predisposition screen in an ostensibly healthy population. It had not been previously curated by ICSL or reported in the Human Gene Mutation Database (HGMD: prior to June 1st, 2018), and was therefore a candidate for classification through an automated scoring system. Utilizing variant allele frequency, disease prevalence and penetrance estimates, and inheritance mode, an automated score was calculated to assess if this variant is too frequent to cause the disease. Based on the score and internal cut-off values, a variant classified as benign is not then subjected to further curation. The score for this variant resulted in a classification of benign for this disease.